The following is an entry in ClinVar:

NM_002069.6(GNAI1):c.421A>G (p.Asn141Asp)

Gene: GNAI1 (G protein subunit alpha i1; plus strand). Cytogenetic location: 7q21.11.
Variant type: single nucleotide variant.
Coding change: c.421A>G on transcript NM_002069.6 (MANE Select); coding-DNA position 421, A replaced by G.
Protein change: p.Asn141Asp; replaces asparagine 141 with aspartic acid.
Molecular consequence: missense variant.
Genome position (GRCh38, 1-based): chr7:80,199,342, A>G. VCF-style: chr7-80199342-A-G. GRCh37 (hg19) VCF-style: chr7-79828658-A-G.
Other names: c.265A>G, p.Asn89Asp (NM_001256414.2); short protein forms N141D, N89D.
Identifiers: ClinVar variation 3343635 (VCV003343635.1).
Genomic context (GRCh38, chr7:80,199,342, plus strand): 5'-GCAGAACTTGCTGGAGTTATAAAGAGATTGTGGAAAGATAGTGGTGTACAAGCCTGTTTC[A>G]ACAGATCCCGAGAGTACCAGCTTAATGATTCTGCAGCATAGTAAGTAATCATAACTTCAG-3'
Protein context (NP_002060.4, residues 131-151): WKDSGVQACF[Asn141Asp]RSREYQLNDS

ClinVar aggregate classification (germline): Uncertain significance (1 of 4 stars; one submission).

Submission:

GeneDx
Classification: Uncertain significance. Last evaluated: 2023-05-19. Review status: criteria provided, single submitter. Criteria: GeneDx Variant Classification Process June 2021. Collection method: clinical testing. Allele origin: germline. Affected: yes.
Comment: Not observed at significant frequency in large population cohorts (gnomAD); In silico analysis supports that this missense variant does not alter protein structure/function; Has not been previously published as pathogenic or benign to our knowledge